The following is an entry in ClinVar:

ClinVar aggregate classification (germline): Uncertain significance (1 of 4 stars; one submission).

Submission:

Labcorp Genetics (formerly Invitae), Labcorp
Classification: Uncertain significance. Last evaluated: 2025-02-03. Review status: criteria provided, single submitter. Criteria: Invitae Variant Classification Sherloc (09022015). Collection method: clinical testing. Allele origin: germline.
Comment: This sequence change replaces serine, which is neutral and polar, with threonine, which is neutral and polar, at codon 144 of the GABRA3 protein (p.Ser144Thr). This variant is not present in population databases (gnomAD no frequency). This variant has not been reported in the literature in individuals affected with GABRA3-related conditions. Invitae Evidence Modeling of protein sequence and biophysical properties (such as structural, functional, and spatial information, amino acid conservation, physicochemical variation, residue mobility, and thermodynamic stability) indicates that this missense variant is not expected to disrupt GABRA3 protein function with a negative predictive value of 80%. In summary, the available evidence is currently insufficient to determine the role of this variant in disease. Therefore, it has been classified as a Variant of Uncertain Significance.

NM_000808.4(GABRA3):c.431G>C (p.Ser144Thr)

Gene: GABRA3 (gamma-aminobutyric acid type A receptor subunit alpha3; minus strand). Cytogenetic location: Xq28.
Variant type: single nucleotide variant.
Coding change: c.431G>C on transcript NM_000808.4 (MANE Select); coding-DNA position 431, G replaced by C.
Protein change: p.Ser144Thr; replaces serine 144 with threonine.
Molecular consequence: missense variant.
Genome position (GRCh38, 1-based): chrX:152,255,898, C>G on the plus strand (G>C on the coding strand, the complement: GABRA3 is on the minus strand). VCF-style: chrX-152255898-C-G. GRCh37 (hg19) VCF-style: chrX-151424370-C-G.
Other names: short protein forms S144T.
Identifiers: ClinVar variation 4742438 (VCV004742438.1).